The following is an entry in ClinVar:

ClinVar aggregate classification (germline): Likely pathogenic (1 of 4 stars; one submission).

Conditions:
Hereditary cancer-predisposing syndrome. Also called: Neoplastic Syndromes, Hereditary; Tumor predisposition; Hereditary Cancer Syndrome; Hereditary neoplastic syndrome. Identifiers: Orphanet 140162, MedGen C0027672, MeSH D009386, MONDO:0015356.

Submission:

Ambry Genetics
Classification: Likely pathogenic for Hereditary cancer-predisposing syndrome. Last evaluated: 2025-12-20. Review status: criteria provided, single submitter. Criteria: Ambry Variant Classification Scheme 2023. Collection method: clinical testing. Allele origin: germline.
Comment: The c.904-2A>C intronic variant results from an A to C substitution two nucleotides upstream from coding exon 10 in the RAD51D gene. This nucleotide position is highly conserved in available vertebrate species. In silico splice site analysis predicts that this alteration will weaken the native splice acceptor site and will result in the creation or strengthening of a novel splice acceptor site; however, direct evidence is insufficient at this time (Ambry internal data). The resulting transcript is predicted not to trigger nonsense-mediated mRNA decay, and only impacts the last 20 amino acids of the protein. The exact functional effect of the missing amino acids is unknown; however, structural analysis suggests that this region contains a highly conserved ATP cap, which functions to hold the ATP in place and is likely to impact nucleoprotein filament stability (Amunugama R et al. J. Biol. Chem. 2012 Mar; 287(12):8724-36). Based on the majority of available evidence to date, this variant is likely to be pathogenic.

NM_002878.4(RAD51D):c.904-2A>C

Genes: RAD51D (RAD51 paralog D; minus strand), RAD51L3-RFFL (RAD51L3-RFFL readthrough; minus strand). Cytogenetic location: 17q12.
Variant type: single nucleotide variant.
Coding change: c.904-2A>C on transcript NM_002878.4 (MANE Select); the canonical splice acceptor site of the intron before coding-DNA position 904, A replaced by C.
Molecular consequence: splice acceptor variant.
Genome position (GRCh38, 1-based): chr17:35,101,038, T>G on the plus strand (A>C on the coding strand, the complement: RAD51D is on the minus strand). VCF-style: chr17-35101038-T-G. GRCh37 (hg19) VCF-style: chr17-33428057-T-G.
Other names: c.568-2A>C (NM_133629.3); c.964-2A>C (NM_001142571.2).
Identifiers: ClinVar variation 2448046 (VCV002448046.3), dbSNP rs1403784434, ClinGen allele CA399086198.